The following is an entry in ClinVar:

ClinVar aggregate classification (germline): Uncertain significance. Review status: criteria provided, multiple submitters, no conflicts (2 of 4 stars). 7 submissions from 7 submitters: Uncertain significance (6). 1 of the submissions does not count toward it. Last evaluated 2025-11-10.

Conditions:
Lung sarcomatoid carcinoma. Identifiers: MedGen C1708781, MONDO:0006279.
Hereditary cancer-predisposing syndrome. Also called: Hereditary neoplastic syndrome; Neoplastic Syndromes, Hereditary; Tumor predisposition; Hereditary Cancer Syndrome. Identifiers: Orphanet 140162, MedGen C0027672, MeSH D009386, MONDO:0015356.
Nijmegen breakage syndrome-like disorder (NBSLD). Also called: MICROCEPHALY AND SPONTANEOUS CHROMOSOME INSTABILITY WITHOUT IMMUNODEFICIENCY; NBS-LIKE DISORDER; RAD50 DEFICIENCY. Identifiers: Orphanet 240760, MedGen C2751318, MONDO:0013118, OMIM 613078.

Allele frequency attached by ClinVar (database versions not stated): gnomAD 0.00003 and 0.00004; TOPMed 0.00003; gnomAD exomes 0.00004 and 0.00006; ExAC 0.00007; ESP Exome Variant Server 0.00008.

Submissions (7):

Labcorp Genetics (formerly Invitae), Labcorp
Classification: Uncertain significance for Hereditary cancer-predisposing syndrome. Last evaluated: 2025-11-10. Review status: criteria provided, single submitter. Criteria: Invitae Variant Classification Sherloc (09022015). Collection method: clinical testing. Allele origin: germline.
Comment: This sequence change replaces valine, which is neutral and non-polar, with isoleucine, which is neutral and non-polar, at codon 683 of the RAD50 protein (p.Val683Ile). This variant is present in population databases (rs367925756, gnomAD 0.01%). This missense change has been observed in individual(s) with breast cancer (PMID: 24894818). ClinVar contains an entry for this variant (Variation ID: 185548). Invitae Evidence Modeling of protein sequence and biophysical properties (such as structural, functional, and spatial information, amino acid conservation, physicochemical variation, residue mobility, and thermodynamic stability) indicates that this missense variant is not expected to disrupt RAD50 protein function with a negative predictive value of 80%. In summary, the available evidence is currently insufficient to determine the role of this variant in disease. Therefore, it has been classified as a Variant of Uncertain Significance.

Quest Diagnostics Nichols Institute San Juan Capistrano
Classification: Uncertain significance. Last evaluated: 2025-04-07. Review status: criteria provided, single submitter. Criteria: Quest Diagnostics criteria. Collection method: clinical testing. Allele origin: unknown.
Comment: The RAD50 c.2047G>A (p.Val683Ile) variant has been reported in the published literature in an individual affected with breast cancer (PMID: 24894818 (2014)). This variant has also been identified in affected and reportedly unaffected individuals in a large-scale breast cancer association study (PMID: 33471991 (2021), see also LOVD). The frequency of this variant in the general population (Genome Aggregation Database) is uninformative in the assessment of its pathogenicity. Analysis of this variant using bioinformatics tools for the prediction of the effect of amino acid changes on protein structure and function yielded predictions that this variant is benign. Based on the available information, we are unable to determine the clinical significance of this variant.

Baylor Genetics
Classification: Uncertain significance for Nijmegen breakage syndrome-like disorder. Last evaluated: 2024-01-09. Review status: criteria provided, single submitter. Criteria: ACMG Guidelines, 2015. Collection method: clinical testing. Allele origin: unknown.

Ambry Genetics
Classification: Uncertain significance for Hereditary cancer-predisposing syndrome. Last evaluated: 2022-12-16. Review status: criteria provided, single submitter. Criteria: Ambry Variant Classification Scheme 2023. Collection method: clinical testing. Allele origin: germline.
Comment: The p.V683I variant (also known as c.2047G>A), located in coding exon 13 of the RAD50 gene, results from a G to A substitution at nucleotide position 2047. The valine at codon 683 is replaced by isoleucine, an amino acid with highly similar properties. This variant was reported in 1/1313 early-onset breast cancer cases and 0/1123 population controls (Damiola F et al. Breast Cancer Res. 2014 Jun;16:R58). It was also reported in a study of 1297 cases of early-onset breast cancer and 1121 controls (Young EL et al. J. Med. Genet. 2016 Jun;53:366-76). This amino acid position is highly conserved in available vertebrate species. In addition, this alteration is predicted to be tolerated by in silico analysis. Since supporting evidence is limited at this time, the clinical significance of this alteration remains unclear.

Sema4
Classification: Uncertain significance for Nijmegen breakage syndrome-like disorder. Last evaluated: 2021-11-05. Review status: criteria provided, single submitter. Criteria: Sema4 Curation Guidelines. Collection method: curation. Allele origin: germline.
Comment: The RAD50 c.2047G>A (p.V683I) variant has been reported in individuals with breast cancer, but has also been reported in healthy controls (PMID: 33471991, 24894818). It was observed in 10/251334 chromosomes across all populations, with no homozygotes, in the large and broad cohorts of the Genome Aggregation Database (PMID: 32461654). The variant has been reported in ClinVar (Variation ID: 185548). Functional studies have not been performed, and in silico predictions of the variant's effect on protein function are inconclusive. The evidence is insufficient to meet ACMG/AMP criteria for classifying the variant as benign or pathogenic. Thus, the clinical significance of this variant is currently uncertain.

Fulgent Genetics
Classification: Uncertain significance for Nijmegen breakage syndrome-like disorder. Last evaluated: 2018-10-31. Review status: criteria provided, single submitter. Criteria: ACMG Guidelines, 2015. Collection method: clinical testing. Allele origin: unknown.

Salgia Laboratory, City of Hope
Classification: Uncertain significance for Lung sarcomatoid carcinoma. Review status: no assertion criteria provided. Collection method: clinical testing. Allele origin: somatic. Inheritance: Somatic mutation. Affected: yes. Not counted in ClinVar's aggregate classification.

Literature cited by the submitters: PubMed 24894818 (cited by 4 submitters); PubMed 33471991 (cited by Quest Diagnostics Nichols Institute San Juan Capistrano and Sema4); PubMed 26787654 (cited by Quest Diagnostics Nichols Institute San Juan Capistrano and Ambry Genetics); PubMed 27062340 (cited by Quest Diagnostics Nichols Institute San Juan Capistrano); PubMed 32620917 (cited by Quest Diagnostics Nichols Institute San Juan Capistrano); PubMed 32970934 (cited by Quest Diagnostics Nichols Institute San Juan Capistrano); PubMed 37160318 (cited by Quest Diagnostics Nichols Institute San Juan Capistrano); PubMed 38878505 (cited by Quest Diagnostics Nichols Institute San Juan Capistrano); PubMed 16474176 (cited by Salgia Laboratory, City of Hope).

NM_005732.4(RAD50):c.2047G>A (p.Val683Ile)

Gene: RAD50 (RAD50 double strand break repair protein; plus strand). Cytogenetic location: 5q31.1.
Variant type: single nucleotide variant.
Coding change: c.2047G>A on transcript NM_005732.4 (MANE Select); coding-DNA position 2047, G replaced by A.
Protein change: p.Val683Ile; replaces valine 683 with isoleucine.
Molecular consequence: missense variant.
Genome position (GRCh38, 1-based): chr5:132,595,650, G>A. VCF-style: chr5-132595650-G-A. GRCh37 (hg19) VCF-style: chr5-131931342-G-A.
Other names: NP_005723.2:p.Val683Ile; short protein forms V683I.
Identifiers: ClinVar variation 185548 (VCV000185548.44), dbSNP rs367925756, ClinGen allele CA333885.